The following is an entry in ClinVar:

ClinVar aggregate classification (germline): Conflicting classifications of pathogenicity. Review status: criteria provided, conflicting classifications (1 of 4 stars). 2 submissions from 2 submitters: Uncertain significance (1); Likely benign (1). Last evaluated 2024-06-17.

Allele frequency attached by ClinVar (database versions not stated): TOPMed 0.00002; gnomAD 0.00003 and 0.00004; ExAC 0.00004; 1000 Genomes Project 30x 0.00016; 1000 Genomes Project 0.00020.
gnomAD v4.1: 41 of 1,613,828 alleles (0.0025%); highest among the groups gnomAD compares: South Asian, 0.0055%; no homozygotes.

Submissions (2):

Labcorp Genetics (formerly Invitae), Labcorp
Classification: Uncertain significance. Last evaluated: 2024-06-17. Review status: criteria provided, single submitter. Criteria: Invitae Variant Classification Sherloc (09022015). Collection method: clinical testing. Allele origin: germline.
Comment: This sequence change replaces arginine, which is basic and polar, with glutamine, which is neutral and polar, at codon 220 of the CARMIL2 protein (p.Arg220Gln). This variant is present in population databases (rs568724376, gnomAD 0.006%). This variant has not been reported in the literature in individuals affected with CARMIL2-related conditions. ClinVar contains an entry for this variant (Variation ID: 1386612). Advanced modeling of protein sequence and biophysical properties (such as structural, functional, and spatial information, amino acid conservation, physicochemical variation, residue mobility, and thermodynamic stability) performed at Invitae indicates that this missense variant is not expected to disrupt CARMIL2 protein function with a negative predictive value of 80%. In summary, the available evidence is currently insufficient to determine the role of this variant in disease. Therefore, it has been classified as a Variant of Uncertain Significance.

Blueprint Genetics
Classification: Likely benign. Last evaluated: 2022-05-11. Review status: criteria provided, single submitter. Criteria: ACMG Guidelines, 2015. Collection method: clinical testing. Allele origin: germline.

NM_001013838.3(CARMIL2):c.659G>A (p.Arg220Gln)

Gene: CARMIL2 (capping protein regulator and myosin 1 linker 2; plus strand). Cytogenetic location: 16q22.1.
Variant type: single nucleotide variant.
Coding change: c.659G>A on transcript NM_001013838.3 (MANE Select); coding-DNA position 659, G replaced by A.
Protein change: p.Arg220Gln; replaces arginine 220 with glutamine.
Molecular consequence: missense variant.
Genome position (GRCh38, 1-based): chr16:67,647,163, G>A. VCF-style: chr16-67647163-G-A. GRCh37 (hg19) VCF-style: chr16-67681066-G-A.
Other names: c.659G>A, p.Arg220Gln (NM_001317026.3); short protein forms R220Q.
Identifiers: ClinVar variation 1386612 (VCV001386612.5), dbSNP rs568724376, ClinGen allele CA8113157.